The following is an entry in ClinVar:

ClinVar aggregate classification (germline): Uncertain significance (1 of 4 stars; one submission).

Conditions:
Achondrogenesis, type IA (ACG1A). Identifiers: Orphanet 932, Orphanet 93299, MedGen C0265273, MONDO:0008701, OMIM 200600.

Submission:

Labcorp Genetics (formerly Invitae), Labcorp
Classification: Uncertain significance for Achondrogenesis, type IA. Last evaluated: 2021-03-02. Review status: criteria provided, single submitter. Criteria: Invitae Variant Classification Sherloc (09022015). Collection method: clinical testing. Allele origin: germline.
Comment: This sequence change replaces leucine with serine at codon 607 of the TRIP11 protein (p.Leu607Ser). This variant is not present in population databases (ExAC no frequency). This variant has not been reported in the literature in individuals with TRIP11-related conditions. Algorithms developed to predict the effect of missense changes on protein structure and function output the following: SIFT: "Not Available"; PolyPhen-2: "Benign"; Align-GVGD: "Not Available". The serine amino acid residue is found in multiple mammalian species, suggesting that this missense change does not adversely affect protein function. These predictions have not been confirmed by published functional studies and their clinical significance is uncertain. In summary, the available evidence is currently insufficient to determine the role of this variant in disease. Therefore, it has been classified as a Variant of Uncertain Significance.

NM_004239.4(TRIP11):c.1820T>C (p.Leu607Ser)

Gene: TRIP11 (thyroid hormone receptor interactor 11; minus strand). Cytogenetic location: 14q32.12.
Variant type: single nucleotide variant.
Coding change: c.1820T>C on transcript NM_004239.4 (MANE Select); coding-DNA position 1820, T replaced by C.
Protein change: p.Leu607Ser; replaces leucine 607 with serine.
Molecular consequence: missense variant.
Genome position (GRCh38, 1-based): chr14:92,006,156, A>G on the plus strand (T>C on the coding strand, the complement: TRIP11 is on the minus strand). VCF-style: chr14-92006156-A-G. GRCh37 (hg19) VCF-style: chr14-92472500-A-G.
Other names: c.1817T>C, p.Leu606Ser (NM_001321851.1); short protein forms L606S, L607S.
Identifiers: ClinVar variation 1429273 (VCV001429273.6), dbSNP rs927576762, ClinGen allele CA390659982.